The following is an entry in ClinVar:

ClinVar aggregate classification (germline): Uncertain significance (1 of 4 stars; one submission).

Conditions:
Specific granule deficiency. Identifiers: Orphanet 169142, MedGen C0398593, MONDO:0009506.

Allele frequency attached by ClinVar (database versions not stated): TOPMed 0.00001; ExAC 0.00003; gnomAD exomes 0.00003 and 0.00001.

Submission:

Labcorp Genetics (formerly Invitae), Labcorp
Classification: Uncertain significance for Specific granule deficiency. Last evaluated: 2025-04-23. Review status: criteria provided, single submitter. Criteria: Invitae Variant Classification Sherloc (09022015). Collection method: clinical testing. Allele origin: germline.
Comment: This sequence change replaces proline, which is neutral and non-polar, with serine, which is neutral and polar, at codon 157 of the CEBPE protein (p.Pro157Ser). This variant is present in population databases (rs754418523, gnomAD 0.03%). This variant has not been reported in the literature in individuals affected with CEBPE-related conditions. ClinVar contains an entry for this variant (Variation ID: 1056834). An algorithm developed to predict the effect of missense changes on protein structure and function (PolyPhen-2) suggests that this variant is likely to be disruptive. In summary, the available evidence is currently insufficient to determine the role of this variant in disease. Therefore, it has been classified as a Variant of Uncertain Significance.

NM_001805.4(CEBPE):c.469C>T (p.Pro157Ser)

Gene: CEBPE (CCAAT enhancer binding protein epsilon; minus strand). Cytogenetic location: 14q11.2.
Variant type: single nucleotide variant.
Coding change: c.469C>T on transcript NM_001805.4 (MANE Select); coding-DNA position 469, C replaced by T.
Protein change: p.Pro157Ser; replaces proline 157 with serine.
Molecular consequence: missense variant.
Genome position (GRCh38, 1-based): chr14:23,118,623, G>A on the plus strand (C>T on the coding strand, the complement: CEBPE is on the minus strand). VCF-style: chr14-23118623-G-A. GRCh37 (hg19) VCF-style: chr14-23587832-G-A.
Other names: short protein forms P157S.
Identifiers: ClinVar variation 1056834 (VCV001056834.7), dbSNP rs754418523, ClinGen allele CA7111206.